The following is an entry in ClinVar:

NM_005334.3(HCFC1):c.5206C>T (p.Leu1736=)

Gene: HCFC1 (host cell factor C1; minus strand). Cytogenetic location: Xq28.
Variant type: single nucleotide variant.
Coding change: c.5206C>T on transcript NM_005334.3 (MANE Select); coding-DNA position 5206, C replaced by T.
Protein change: p.Leu1736=; no amino-acid change (leucine 1736 retained).
Molecular consequence: synonymous variant.
Genome position (GRCh38, 1-based): chrX:153,951,895, G>A on the plus strand (C>T on the coding strand, the complement: HCFC1 is on the minus strand). VCF-style: chrX-153951895-G-A. GRCh37 (hg19) VCF-style: chrX-153217346-G-A.
Identifiers: ClinVar variation 1640844 (VCV001640844.11), dbSNP rs782368009, ClinGen allele CA10556852.

ClinVar aggregate classification (germline): Benign/Likely benign. Review status: criteria provided, multiple submitters, no conflicts (2 of 4 stars). 3 submissions from 3 submitters: Benign (1); Likely benign (2). Last evaluated 2026-06-01.

Conditions:
Methylmalonic acidemia with homocystinuria, type cblX (MAHCX). Also called: INTELLECTUAL DEVELOPMENTAL DISORDER, X-LINKED 3. Identifiers: Orphanet 369962, MedGen C0796208, MONDO:0010657, OMIM 309541.

Allele frequency attached by ClinVar (database versions not stated): gnomAD 0.00003; TOPMed 0.00009; gnomAD exomes 0.00016 and 0.00036; ExAC 0.00027.
gnomAD v4.1: 70 of 1,192,482 alleles (0.0059%); highest among the groups gnomAD compares: Admixed American, 0.16%; no homozygotes.

Submissions (3):

CeGaT Center for Human Genetics Tuebingen
Classification: Likely benign. Last evaluated: 2026-06-01. Review status: criteria provided, single submitter. Criteria: CeGaT Center For Human Genetics Tuebingen Variant Classification Criteria Version 2. Collection method: clinical testing. Allele origin: germline. Affected: yes. Observed: 1 variant allele.
Comment: HCFC1: BP4, BS2

Labcorp Genetics (formerly Invitae), Labcorp
Classification: Benign for Methylmalonic acidemia with homocystinuria, type cblX. Last evaluated: 2026-01-19. Review status: criteria provided, single submitter. Criteria: Invitae Variant Classification Sherloc (09022015). Collection method: clinical testing. Allele origin: germline.

Fulgent Genetics
Classification: Likely benign for Methylmalonic acidemia with homocystinuria, type cblX. Last evaluated: 2021-12-22. Review status: criteria provided, single submitter. Criteria: ACMG Guidelines, 2015. Collection method: clinical testing. Allele origin: unknown.